The following is an entry in ClinVar:

NM_001039348.3(EFEMP1):c.1454C>T (p.Thr485Ile)

Gene: EFEMP1 (EGF-like fibulin extracellular matrix protein 1; minus strand). Cytogenetic location: 2p16.1.
Variant type: single nucleotide variant.
Coding change: c.1454C>T on transcript NM_001039348.3 (MANE Select); coding-DNA position 1454, C replaced by T.
Protein change: p.Thr485Ile; replaces threonine 485 with isoleucine.
Molecular consequence: missense variant.
Genome position (GRCh38, 1-based): chr2:55,867,101, G>A on the plus strand (C>T on the coding strand, the complement: EFEMP1 is on the minus strand). VCF-style: chr2-55867101-G-A. GRCh37 (hg19) VCF-style: chr2-56094236-G-A.
Other names: c.1454C>T, p.Thr485Ile (NM_001039349.3); short protein forms T485I.
Identifiers: ClinVar variation 4852682 (VCV004852682.2).

ClinVar aggregate classification (germline): Uncertain significance (1 of 4 stars; one submission).

gnomAD v4.1: 1 of 1,613,256 alleles (0.000062%); highest among the groups gnomAD compares: African/African-American, 0.0013%; no homozygotes.

Submission:

Dasa
Classification: Uncertain significance. Last evaluated: 2024-08-30. Review status: criteria provided, single submitter. Criteria: DASA Assertion Criteria. Collection method: clinical testing. Allele origin: germline.
Comment: NM_001039348.3(EFEMP1):c.1454C>T (p.Thr485Ile) is a missense variant that results in the substitution of threonine with isoleucine. This variant is rare in population databases. Computational prediction algorithms are consistent with a deleterious effect. The currently available literature and clinical evidence are not sufficient to establish a definitive association between this variant and the reported condition. Therefore, this variant is classified as a variant of uncertain significance.